The following is an entry in ClinVar:

ClinVar aggregate classification (germline): Likely benign (1 of 4 stars; one submission).

Conditions:
Immunodeficiency due to CD25 deficiency. Also called: IMMUNODEFICIENCY 41 WITH LYMPHOPROLIFERATION AND AUTOIMMUNITY; CD25 DEFICIENCY; IL2RA DEFICIENCY. Identifiers: Orphanet 169100, MedGen C1853392, MONDO:0011664, OMIM 606367.

Allele frequency attached by ClinVar (database versions not stated): 1000 Genomes Project 0.00200; 1000 Genomes Project 30x 0.00203; gnomAD 0.00376 and 0.00404; gnomAD exomes 0.00410; TOPMed 0.00418.
gnomAD v4.1: 598 of 152,574 alleles (0.39%); highest among the groups gnomAD compares: Middle Eastern, 0.67%; 5 homozygotes.

Submission:

Illumina Laboratory Services, Illumina
Classification: Likely benign for Immunodeficiency due to CD25 deficiency. Last evaluated: 2018-01-13. Review status: criteria provided, single submitter. Criteria: ICSL Variant Classification Criteria 13 December 2019. Collection method: clinical testing. Allele origin: germline.
Comment: This variant was observed in the ICSL laboratory as part of a predisposition screen in an ostensibly healthy population. It had not been previously curated by ICSL or reported in the Human Gene Mutation Database (HGMD: prior to June 1st, 2018), and was therefore a candidate for classification through an automated scoring system. Utilizing variant allele frequency, disease prevalence and penetrance estimates, and inheritance mode, an automated score was calculated to assess if this variant is too frequent to cause the disease. Based on the score and internal cut-off values, a variant classified as likely benign is not then subjected to further curation. The score for this variant resulted in a classification of likely benign for this disease.

NM_000417.3(IL2RA):c.*1061C>T

Gene: IL2RA (interleukin 2 receptor subunit alpha; minus strand). Cytogenetic location: 10p15.1.
Variant type: single nucleotide variant.
Coding change: c.*1061C>T on transcript NM_000417.3 (MANE Select); 1061 bases downstream of the stop codon, C replaced by T.
Molecular consequence: 3 prime UTR variant.
Genome position (GRCh38, 1-based): chr10:6,011,811, G>A on the plus strand (C>T on the coding strand, the complement: IL2RA is on the minus strand). VCF-style: chr10-6011811-G-A. GRCh37 (hg19) VCF-style: chr10-6053774-G-A.
Other names: c.*1061C>T (NM_001308242.2, NM_001308243.2).
Identifiers: ClinVar variation 300229 (VCV000300229.5), dbSNP rs55885853, ClinGen allele CA10635983.